The following is an entry in ClinVar:

ClinVar aggregate classification (germline): Uncertain significance (1 of 4 stars; one submission).

Conditions:
Developmental and epileptic encephalopathy, 42 (DEE42A). Also called: DEVELOPMENTAL AND EPILEPTIC ENCEPHALOPATHY 42A; EPILEPTIC ENCEPHALOPATHY, EARLY INFANTILE, 42A; Epileptic encephalopathy, early infantile, 42. Identifiers: MedGen C4310716, MONDO:0014917, OMIM 617106.
Episodic ataxia type 2 (EA2). Also called: CEREBELLAR ATAXIA, PAROXYSMAL, ACETAZOLAMIDE-RESPONSIVE; CEREBELLOPATHY, HEREDITARY PAROXYSMAL; EPISODIC ATAXIA, NYSTAGMUS-ASSOCIATED; ACETAZOLAMIDE-RESPONSIVE HEREDITARY PAROXYSMAL CEREBELLAR ATAXIA; ATAXIA, EPISODIC, WITH NYSTAGMUS; ATAXIA, FAMILIAL PAROXYSMAL. Identifiers: Orphanet 97, MedGen C1720416, MONDO:0007163, OMIM 108500.

Submission:

Labcorp Genetics (formerly Invitae), Labcorp
Classification: Uncertain significance for Developmental and epileptic encephalopathy, 42; Episodic ataxia type 2. Last evaluated: 2020-01-10. Review status: criteria provided, single submitter. Criteria: Invitae Variant Classification Sherloc (09022015). Collection method: clinical testing. Allele origin: germline.
Comment: Algorithms developed to predict the effect of missense changes on protein structure and function are either unavailable or do not agree on the potential impact of this missense change (SIFT: "Deleterious"; PolyPhen-2: "Probably Damaging"; Align-GVGD: "Class C0"). This variant has not been reported in the literature in individuals with CACNA1A-related conditions. The frequency data for this variant in the population databases is considered unreliable, as metrics indicate insufficient coverage at this position in the ExAC database. This sequence change replaces histidine with asparagine at codon 2215 of the CACNA1A protein (p.His2215Asn). The histidine residue is weakly conserved and there is a small physicochemical difference between histidine and asparagine. In summary, the available evidence is currently insufficient to determine the role of this variant in disease. Therefore, it has been classified as a Variant of Uncertain Significance.

NM_001127222.2(CACNA1A):c.6640C>A (p.His2214Asn)

Gene: CACNA1A (calcium voltage-gated channel subunit alpha1 A; minus strand). Cytogenetic location: 19p13.13.
Variant type: single nucleotide variant.
Coding change: c.6640C>A on transcript NM_001127222.2 (MANE Select); coding-DNA position 6640, C replaced by A.
Protein change: p.His2214Asn; replaces histidine 2214 with asparagine.
Molecular consequence: missense variant.
Genome position (GRCh38, 1-based): chr19:13,208,896, G>T on the plus strand (C>A on the coding strand, the complement: CACNA1A is on the minus strand). VCF-style: chr19-13208896-G-T. GRCh37 (hg19) VCF-style: chr19-13319710-G-T.
Other names: c.6658C>A, p.His2220Asn (NM_000068.4, NM_023035.3); c.6643C>A, p.His2215Asn (NM_001127221.2); c.6649C>A, p.His2217Asn (NM_001174080.2); short protein forms H2214N, H2215N, H2217N, H2220N.
Identifiers: ClinVar variation 1051061 (VCV001051061.11), dbSNP rs905447472, ClinGen allele CA404330468.